The following is an entry in ClinVar:

ClinVar aggregate classification (germline): Conflicting classifications of pathogenicity. Review status: criteria provided, conflicting classifications (1 of 4 stars). 2 submissions from 2 submitters: Likely pathogenic (1); Uncertain significance (1). Last evaluated 2024-10-18.

gnomAD v4.1: 7 of 1,600,146 alleles (0.00044%); highest among the groups gnomAD compares: Non-Finnish European, 0.0006%; no homozygotes.

Submissions (2):

Blueprint Genetics
Classification: Uncertain significance. Last evaluated: 2024-10-18. Review status: criteria provided, single submitter. Criteria: ACMG Guidelines, 2015. Collection method: clinical testing. Allele origin: germline.

Labcorp Genetics (formerly Invitae), Labcorp
Classification: Likely pathogenic. Last evaluated: 2024-08-02. Review status: criteria provided, single submitter. Criteria: Invitae Variant Classification Sherloc (09022015). Collection method: clinical testing. Allele origin: germline.
Comment: This sequence change affects a donor splice site in intron 6 of the POP1 gene. It is expected to disrupt RNA splicing. Variants that disrupt the donor or acceptor splice site typically lead to a loss of protein function (PMID: 16199547), and loss-of-function variants in POP1 are known to be pathogenic (PMID: 21455487). This variant is present in population databases (rs750404495, gnomAD 0.002%). This variant has not been reported in the literature in individuals affected with POP1-related conditions. Algorithms developed to predict the effect of sequence changes on RNA splicing suggest that this variant may disrupt the consensus splice site. In summary, the currently available evidence indicates that the variant is pathogenic, but additional data are needed to prove that conclusively. Therefore, this variant has been classified as Likely Pathogenic.

Literature cited by the submitters: PubMed 16199547 (cited by Labcorp Genetics (formerly Invitae), Labcorp); PubMed 21455487 (cited by Labcorp Genetics (formerly Invitae), Labcorp).

NM_001145860.2(POP1):c.823+1G>C

Gene: POP1 (POP1 ribonuclease P/MRP subunit; plus strand). Cytogenetic location: 8q22.2.
Variant type: single nucleotide variant.
Coding change: c.823+1G>C on transcript NM_001145860.2 (MANE Select); the canonical splice donor site of the intron after coding-DNA position 823, G replaced by C.
Molecular consequence: splice donor variant.
Genome position (GRCh38, 1-based): chr8:98,134,037, G>C. VCF-style: chr8-98134037-G-C. GRCh37 (hg19) VCF-style: chr8-99146265-G-C.
Other names: c.823+1G>C (NM_001145861.2, NM_015029.3).
Identifiers: ClinVar variation 3604900 (VCV003604900.3).
Genomic context (GRCh38, chr8:98,134,037, plus strand): 5'-TGAAAGGCAAAGAGGAAGAAATACTAAAGGCGCTTTCTGGAATGTGTAACATAGACACAG[G>C]TAAACTTGTTTTAAAGCTGAGTTCTATTTTAGTCTATGTATATTTATTCATTTCATAAAG-3'